The following is an entry in ClinVar:

NM_012193.4(FZD4):c.713T>C (p.Val238Ala)

Genes: FZD4 (frizzled class receptor 4; minus strand), PRSS23 (serine protease 23; plus strand). Cytogenetic location: 11q14.2.
Variant type: single nucleotide variant.
Coding change: c.713T>C on transcript NM_012193.4 (MANE Select); coding-DNA position 713, T replaced by C.
Protein change: p.Val238Ala; replaces valine 238 with alanine.
Molecular consequence: missense variant. On other transcripts: non-coding transcript variant (2).
Genome position (GRCh38, 1-based): chr11:86,952,043, A>G on the plus strand (T>C on the coding strand, the complement: FZD4 is on the minus strand). VCF-style: chr11-86952043-A-G. GRCh37 (hg19) VCF-style: chr11-86663085-A-G.
Other names: short protein forms V238A.
Identifiers: ClinVar variation 4718606 (VCV004718606.1).

ClinVar aggregate classification (germline): Uncertain significance (1 of 4 stars; one submission).

Submission:

Labcorp Genetics (formerly Invitae), Labcorp
Classification: Uncertain significance. Last evaluated: 2025-03-13. Review status: criteria provided, single submitter. Criteria: Invitae Variant Classification Sherloc (09022015). Collection method: clinical testing. Allele origin: germline.
Comment: This sequence change replaces valine, which is neutral and non-polar, with alanine, which is neutral and non-polar, at codon 238 of the FZD4 protein (p.Val238Ala). This variant is not present in population databases (gnomAD no frequency). This variant has not been reported in the literature in individuals affected with FZD4-related conditions. Invitae Evidence Modeling of protein sequence and biophysical properties (such as structural, functional, and spatial information, amino acid conservation, physicochemical variation, residue mobility, and thermodynamic stability) indicates that this missense variant is not expected to disrupt FZD4 protein function with a negative predictive value of 80%. In summary, the available evidence is currently insufficient to determine the role of this variant in disease. Therefore, it has been classified as a Variant of Uncertain Significance.